The following is an entry in ClinVar:

NM_024675.4(PALB2):c.2160C>A (p.Thr720=)

Gene: PALB2 (partner and localizer of BRCA2; minus strand). Cytogenetic location: 16p12.2.
Variant type: single nucleotide variant.
Coding change: c.2160C>A on transcript NM_024675.4 (MANE Select); coding-DNA position 2160, C replaced by A.
Protein change: p.Thr720=; no amino-acid change (threonine 720 retained).
Molecular consequence: synonymous variant. On other transcripts: intron variant (1).
Genome position (GRCh38, 1-based): chr16:23,629,994, G>T on the plus strand (C>A on the coding strand, the complement: PALB2 is on the minus strand). VCF-style: chr16-23629994-G-T. GRCh37 (hg19) VCF-style: chr16-23641315-G-T.
Other names: c.2100C>A, p.Thr700= (NM_001407296.1); c.2160C>A, p.Thr720= (NM_001407297.1, NM_001407298.1, NM_001407299.1 and 3 more transcripts); c.1275C>A, p.Thr425= (NM_001407304.1, NM_001407305.1, NM_001407306.1 and 5 more transcripts); c.372C>A, p.Thr124= (NM_001407312.1, NM_001407313.1); c.49-719C>A (NM_001407314.1).
Identifiers: ClinVar variation 3904262 (VCV003904262.1).

ClinVar aggregate classification (germline): Benign (1 of 4 stars; one submission).

Conditions:
Familial cancer of breast. Also called: Hereditary breast cancer; hereditary breast carcinoma; BREAST CANCER, FAMILIAL. Identifiers: Orphanet 227535, MedGen C0346153, MONDO:0016419, OMIM 114480. Disease mechanism: loss of function.

Submission:

Myriad Genetics, Inc.
Classification: Benign for Familial cancer of breast. Last evaluated: 2025-01-15. Review status: criteria provided, single submitter. Criteria: Myriad Autosomal Dominant, Autosomal Recessive and X-Linked Classification Criteria (2023). Collection method: clinical testing. Allele origin: unknown.
Comment: This variant is considered benign. This variant is a silent/synonymous amino acid change and it is not expected to impact splicing.